The following is an entry in ClinVar:

NM_000240.4(MAOA):c.1196A>T (p.Glu399Val)

Gene: MAOA (monoamine oxidase A; plus strand). Cytogenetic location: Xp11.3.
Variant type: single nucleotide variant.
Coding change: c.1196A>T on transcript NM_000240.4 (MANE Select); coding-DNA position 1196, A replaced by T.
Protein change: p.Glu399Val; replaces glutamic acid 399 with valine.
Molecular consequence: missense variant.
Genome position (GRCh38, 1-based): chrX:43,741,981, A>T. VCF-style: chrX-43741981-A-T. GRCh37 (hg19) VCF-style: chrX-43601228-A-T.
Other names: c.797A>T, p.Glu266Val (NM_001270458.2); short protein forms E266V, E399V.
Identifiers: ClinVar variation 4761808 (VCV004761808.1).

ClinVar aggregate classification (germline): Uncertain significance (1 of 4 stars; one submission).

Conditions:
Brunner syndrome (BRNRS). Identifiers: Orphanet 3057, MedGen C0796275, MONDO:0010379, OMIM 300615.

Submission:

Labcorp Genetics (formerly Invitae), Labcorp
Classification: Uncertain significance for Brunner syndrome. Last evaluated: 2025-12-09. Review status: criteria provided, single submitter. Criteria: Invitae Variant Classification Sherloc (09022015). Collection method: clinical testing. Allele origin: germline.
Comment: This sequence change replaces glutamic acid, which is acidic and polar, with valine, which is neutral and non-polar, at codon 399 of the MAOA protein (p.Glu399Val). This variant is not present in population databases (gnomAD no frequency). This variant has not been reported in the literature in individuals affected with MAOA-related conditions. Invitae Evidence Modeling of protein sequence and biophysical properties (such as structural, functional, and spatial information, amino acid conservation, physicochemical variation, residue mobility, and thermodynamic stability) has been performed for this missense variant. However, the output from this modeling did not meet the statistical confidence thresholds required to predict the impact of this variant on MAOA protein function. In summary, the available evidence is currently insufficient to determine the role of this variant in disease. Therefore, it has been classified as a Variant of Uncertain Significance.